The following is an entry in ClinVar:

NM_002335.4(LRP5):c.4029T>C (p.Cys1343=)

Gene: LRP5 (LDL receptor related protein 5; plus strand). Cytogenetic location: 11q13.2.
Variant type: single nucleotide variant.
Coding change: c.4029T>C on transcript NM_002335.4 (MANE Select); coding-DNA position 4029, T replaced by C.
Protein change: p.Cys1343=; no amino-acid change (cysteine 1343 retained).
Molecular consequence: synonymous variant.
Genome position (GRCh38, 1-based): chr11:68,436,917, T>C. VCF-style: chr11-68436917-T-C. GRCh37 (hg19) VCF-style: chr11-68204385-T-C.
Other names: c.4029T>C (NM_002335.3); c.2286T>C, p.Cys762= (NM_001291902.2).
Identifiers: ClinVar variation 1110170 (VCV001110170.37), dbSNP rs138359428, ClinGen allele CA6150212.
Genomic context (GRCh38, chr11:68,436,917, plus strand): 5'-AGCCTCTCTGAGTGCATGGCCTCTCCTTGCAGCCATCTGCCTGCCCAACCAGTTCCGGTG[T>C]GCGAGCGGCCAGTGTGTCCTCATCAAACAGCAGTGCGACTCCTTCCCCGACTGTATCGAC-3'
Protein context (NP_002326.2, residues 1333-1353): DAICLPNQFR[Cys1343=]ASGQCVLIKQ

ClinVar aggregate classification (germline): Likely benign. Review status: criteria provided, multiple submitters, no conflicts (2 of 4 stars). 4 submissions from 4 submitters: Likely benign (3). 1 of the submissions does not count toward it. Last evaluated 2025-11-21.

Conditions:
LRP5-related disorder. Also called: LRP5-related condition.

Allele frequency attached by ClinVar (database versions not stated): ESP Exome Variant Server 0.00008; gnomAD 0.00008 and 0.00009; gnomAD exomes 0.00008 and 0.00011; ExAC 0.00010; TOPMed 0.00015; 1000 Genomes Project 30x 0.00016; 1000 Genomes Project 0.00020.
gnomAD v4.1: 129 of 1,613,826 alleles (0.008%); highest among the groups gnomAD compares: Admixed American, 0.042%; no homozygotes.

Submissions (4):

Labcorp Genetics (formerly Invitae), Labcorp
Classification: Likely benign. Last evaluated: 2025-11-21. Review status: criteria provided, single submitter. Criteria: Invitae Variant Classification Sherloc (09022015). Collection method: clinical testing. Allele origin: germline.

Blueprint Genetics
Classification: Likely benign. Last evaluated: 2024-06-20. Review status: criteria provided, single submitter. Criteria: ACMG Guidelines, 2015. Collection method: clinical testing. Allele origin: germline.

CeGaT Center for Human Genetics Tuebingen
Classification: Likely benign. Last evaluated: 2023-05-01. Review status: criteria provided, single submitter. Criteria: CeGaT Center For Human Genetics Tuebingen Variant Classification Criteria Version 2. Collection method: clinical testing. Allele origin: germline. Affected: yes. Observed: 1 variant allele.
Comment: LRP5: BP4, BP7

PreventionGenetics, part of Exact Sciences
Classification: Likely benign for LRP5-related condition. Last evaluated: 2019-02-28. Review status: no assertion criteria provided. Collection method: clinical testing. Allele origin: germline. Not counted in ClinVar's aggregate classification.
Comment: This variant is classified as likely benign based on ACMG/AMP sequence variant interpretation guidelines (Richards et al. 2015 PMID: 25741868, with internal and published modifications).